The following is an entry in ClinVar:

NM_001145809.2(MYH14):c.3973C>T (p.Arg1325Trp)

Gene: MYH14 (myosin heavy chain 14; plus strand). Cytogenetic location: 19q13.33.
Variant type: single nucleotide variant.
Coding change: c.3973C>T on transcript NM_001145809.2 (MANE Select); coding-DNA position 3973, C replaced by T.
Protein change: p.Arg1325Trp; replaces arginine 1325 with tryptophan.
Molecular consequence: missense variant.
Genome position (GRCh38, 1-based): chr19:50,278,230, C>T. VCF-style: chr19-50278230-C-T. GRCh37 (hg19) VCF-style: chr19-50781487-C-T.
Other names: c.3874C>T, p.Arg1292Trp (NM_001077186.2); c.3850C>T, p.Arg1284Trp (NM_024729.4); short protein forms R1325W, R1292W, R1284W.
Identifiers: ClinVar variation 894344 (VCV000894344.12), dbSNP rs376705845, ClinGen allele CA9593384.

ClinVar aggregate classification (germline): Uncertain significance. Review status: criteria provided, multiple submitters, no conflicts (2 of 4 stars). 5 submissions from 5 submitters: Uncertain significance (5). Last evaluated 2025-05-16.

Conditions:
Autosomal dominant nonsyndromic hearing loss 4A. Also called: Deafness, autosomal dominant 4A. Identifiers: Orphanet 90635, MedGen C1833503, MONDO:0010915, OMIM 600652.

Allele frequency attached by ClinVar (database versions not stated): gnomAD exomes 0.00002 and 0.00006; ExAC 0.00003; gnomAD 0.00004; TOPMed 0.00005; ESP Exome Variant Server 0.00008.
gnomAD v4.1: 87 of 1,600,338 alleles (0.0054%); highest among the groups gnomAD compares: Middle Eastern, 0.019%; no homozygotes.

Submissions (5):

GeneDx
Classification: Uncertain significance. Last evaluated: 2025-05-16. Review status: criteria provided, single submitter. Criteria: GeneDx Variant Classification Process June 2021. Collection method: clinical testing. Allele origin: germline. Affected: yes.
Comment: Reported in an individual with sensorineural hearing loss in published literature (PMID: 36515421); In silico analysis supports that this missense variant has a deleterious effect on protein structure/function; This variant is associated with the following publications: (PMID: 36515421)

Blueprint Genetics
Classification: Uncertain significance. Last evaluated: 2024-11-21. Review status: criteria provided, single submitter. Criteria: ACMG Guidelines, 2015. Collection method: clinical testing. Allele origin: germline.

Labcorp Genetics (formerly Invitae), Labcorp
Classification: Uncertain significance. Last evaluated: 2024-06-12. Review status: criteria provided, single submitter. Criteria: Invitae Variant Classification Sherloc (09022015). Collection method: clinical testing. Allele origin: germline.
Comment: This sequence change replaces arginine, which is basic and polar, with tryptophan, which is neutral and slightly polar, at codon 1284 of the MYH14 protein (p.Arg1284Trp). This variant is present in population databases (rs376705845, gnomAD 0.009%). This missense change has been observed in individual(s) with deafness (PMID: 36515421). ClinVar contains an entry for this variant (Variation ID: 894344). Advanced modeling of protein sequence and biophysical properties (such as structural, functional, and spatial information, amino acid conservation, physicochemical variation, residue mobility, and thermodynamic stability) performed at Invitae indicates that this missense variant is expected to disrupt MYH14 protein function with a positive predictive value of 80%. In summary, the available evidence is currently insufficient to determine the role of this variant in disease. Therefore, it has been classified as a Variant of Uncertain Significance.

Institute of Human Genetics, University of Goettingen
Classification: Uncertain significance for Autosomal dominant nonsyndromic hearing loss 4A. Last evaluated: 2021-03-05. Review status: criteria provided, single submitter. Criteria: ACMG Guidelines, 2015. Collection method: clinical testing. Allele origin: germline. Inheritance: Autosomal dominant inheritance. Affected: yes. Observed: 1 variant allele, 1 heterozygote.
Comment: This variant is absent from control studies, it is predicted to be damaging as it affects a highly conserved aminoacid in a functional domain of the protein. In summary and using ACMG criteria PM2, PP3, BP1 we classify this variant as variant of unknown clinical significance.

Illumina Laboratory Services, Illumina
Classification: Uncertain significance for Autosomal dominant nonsyndromic hearing loss 4A. Last evaluated: 2018-01-13. Review status: criteria provided, single submitter. Criteria: ICSL Variant Classification Criteria 13 December 2019. Collection method: clinical testing. Allele origin: germline.

Literature cited by the submitters: PubMed 36515421 (cited by Labcorp Genetics (formerly Invitae), Labcorp).